The following is an entry in ClinVar:

ClinVar aggregate classification (germline): Pathogenic (1 of 4 stars; one submission).

Conditions:
Bardet-Biedl syndrome (BBS). Identifiers: Orphanet 110, MedGen C0752166, MONDO:0015229.

Submission:

Labcorp Genetics (formerly Invitae), Labcorp
Classification: Pathogenic for Bardet-Biedl syndrome. Last evaluated: 2023-09-15. Review status: criteria provided, single submitter. Criteria: Invitae Variant Classification Sherloc (09022015). Collection method: clinical testing. Allele origin: germline.
Comment: This sequence change creates a premature translational stop signal (p.Glu58Lysfs*5) in the BBS12 gene. While this is not anticipated to result in nonsense mediated decay, it is expected to disrupt the last 653 amino acid(s) of the BBS12 protein. This variant is not present in population databases (gnomAD no frequency). For these reasons, this variant has been classified as Pathogenic. This variant disrupts a region of the BBS12 protein in which other variant(s) (p.Arg675*) have been determined to be pathogenic (PMID: 20827784, 21642631). This suggests that this is a clinically significant region of the protein, and that variants that disrupt it are likely to be disease-causing. This variant has not been reported in the literature in individuals affected with BBS12-related conditions.

Literature cited by the submitters: PubMed 20827784; PubMed 21642631.

NM_152618.3(BBS12):c.168del (p.Glu58fs)

Gene: BBS12 (Bardet-Biedl syndrome 12; plus strand). Cytogenetic location: 4q27.
Variant type: Deletion.
Coding change: c.168del on transcript NM_152618.3 (MANE Select); coding-DNA position 168, one base deleted (T; older notation c.168delT).
Protein change: p.Glu58fs; shifts the reading frame from glutamic acid 58.
Molecular consequence: frameshift variant.
Genome position (GRCh38, 1-based): chr4:122,742,060, T deleted; the last of 2 consecutive T bases (chr4:122,742,059-122,742,060); deleting either gives the same sequence. VCF-style (leftmost placement, unchanged base first): chr4-122742058-CT-C. GRCh37 (hg19) VCF-style: chr4-123663213-CT-C.
Other names: c.168del, p.Glu58fs (NM_001178007.2); short protein forms E58fs.
Identifiers: ClinVar variation 2736447 (VCV002736447.3), dbSNP rs2485071851, ClinGen allele CA2697546894.